The following is an entry in ClinVar:

NM_030665.4(RAI1):c.3589G>A (p.Gly1197Ser)

Gene: RAI1 (retinoic acid induced 1; plus strand). Cytogenetic location: 17p11.2.
Variant type: single nucleotide variant.
Coding change: c.3589G>A on transcript NM_030665.4 (MANE Select); coding-DNA position 3589, G replaced by A.
Protein change: p.Gly1197Ser; replaces glycine 1197 with serine.
Molecular consequence: missense variant.
Genome position (GRCh38, 1-based): chr17:17,796,537, G>A. VCF-style: chr17-17796537-G-A. GRCh37 (hg19) VCF-style: chr17-17699851-G-A.
Other names: short protein forms G1197S.
Identifiers: ClinVar variation 1353123 (VCV001353123.8), dbSNP rs200719553, ClinGen allele CA398554534.
Genomic context (GRCh38, chr17:17,796,537, plus strand): 5'-CTCCTCGACAACAGCCACTTGCCCGCCACATTCAAGGTCTCCAGCAGCCCCCAGAAGGAG[G>A]GCAGGGTGAGCCAGCGGGCAAGGGTCCCCAAACCTGGTGCAGGCAGCAAGCTCTCTGACC-3'
Protein context (NP_109590.3, residues 1187-1207): FKVSSSPQKE[Gly1197Ser]RVSQRARVPK

ClinVar aggregate classification (germline): Uncertain significance (1 of 4 stars; one submission).

gnomAD v4.1: 1 of 1,611,100 alleles (0.000062%); highest among the groups gnomAD compares: Non-Finnish European, 0.000085%; no homozygotes.

Submission:

Labcorp Genetics (formerly Invitae), Labcorp
Classification: Uncertain significance. Last evaluated: 2021-03-24. Review status: criteria provided, single submitter. Criteria: Invitae Variant Classification Sherloc (09022015). Collection method: clinical testing. Allele origin: germline.
Comment: This sequence change replaces glycine with serine at codon 1197 of the RAI1 protein (p.Gly1197Ser). The glycine residue is highly conserved and there is a small physicochemical difference between glycine and serine. This variant is not present in population databases (ExAC no frequency). This variant has not been reported in the literature in individuals with RAI1-related conditions. Algorithms developed to predict the effect of missense changes on protein structure and function are either unavailable or do not agree on the potential impact of this missense change (SIFT: "Tolerated"; PolyPhen-2: "Possibly Damaging"; Align-GVGD: "Class C0"). In summary, the available evidence is currently insufficient to determine the role of this variant in disease. Therefore, it has been classified as a Variant of Uncertain Significance.